The following is an entry in ClinVar:

NM_032242.4(PLXNA1):c.4885A>T (p.Thr1629Ser)

Gene: PLXNA1 (plexin A1; plus strand). Cytogenetic location: 3q21.3.
Variant type: single nucleotide variant.
Coding change: c.4885A>T on transcript NM_032242.4 (MANE Select); coding-DNA position 4885, A replaced by T.
Protein change: p.Thr1629Ser; replaces threonine 1629 with serine.
Molecular consequence: missense variant.
Genome position (GRCh38, 1-based): chr3:127,029,888, A>T. VCF-style: chr3-127029888-A-T. GRCh37 (hg19) VCF-style: chr3-126748731-A-T.
Other names: short protein forms T1629S.
Identifiers: ClinVar variation 2309212 (VCV002309212.4), dbSNP rs929779049, ClinGen allele CA83337408.
Genomic context (GRCh38, chr3:127,029,888, plus strand): 5'-GTGCGGGGTGCCAGCCAACGCGGGCGCTGACAGCCTGGTGCTGCAGAGAGCATGCTGCGC[A>T]CGGCCAGCAGCCCCGACAGCCTGCGCTCGCGCACGCCCATGATCACGCCCGACCTGGAGA-3'
Protein context (NP_115618.3, residues 1619-1639): SLSRYESMLR[Thr1629Ser]ASSPDSLRSR

ClinVar aggregate classification (germline): Uncertain significance. Review status: criteria provided, single submitter (1 of 4 stars). 2 submissions from 2 submitters: Uncertain significance (1). 1 of the submissions does not count toward it. Last evaluated 2024-11-10.

Conditions:
PLXNA1-related disorder. Also called: PLXNA1-related condition.

Allele frequency attached by ClinVar (database versions not stated): gnomAD 0.00004; TOPMed 0.00006.
gnomAD v4.1: 6 of 1,609,742 alleles (0.00037%); highest among the groups gnomAD compares: Admixed American, 0.01%; no homozygotes.

Submissions (2):

Ambry Genetics
Classification: Uncertain significance. Last evaluated: 2024-11-10. Review status: criteria provided, single submitter. Criteria: Ambry Variant Classification Scheme 2023. Collection method: clinical testing. Allele origin: germline.

PreventionGenetics, part of Exact Sciences
Classification: Uncertain significance for PLXNA1-related condition. Last evaluated: 2024-06-17. Review status: no assertion criteria provided. Collection method: clinical testing. Allele origin: germline. Not counted in ClinVar's aggregate classification.
Comment: The PLXNA1 c.4885A>T variant is predicted to result in the amino acid substitution p.Thr1629Ser. To our knowledge, this variant has not been reported in the literature or in gnomAD, indicating this variant is rare. At this time, the clinical significance of this variant is uncertain due to the absence of conclusive functional and genetic evidence.